The following is an entry in ClinVar:

NM_001458.5(FLNC):c.5906T>C (p.Ile1969Thr)

Genes: FLNC-AS1 (FLNC antisense RNA 1; minus strand), FLNC (filamin C; plus strand). Cytogenetic location: 7q32.1.
Variant type: single nucleotide variant.
Coding change: c.5906T>C on transcript NM_001458.5 (MANE Select); coding-DNA position 5906, T replaced by C.
Protein change: p.Ile1969Thr; replaces isoleucine 1969 with threonine.
Molecular consequence: missense variant.
Genome position (GRCh38, 1-based): chr7:128,852,654, T>C. VCF-style: chr7-128852654-T-C. GRCh37 (hg19) VCF-style: chr7-128492708-T-C.
Other names: c.5807T>C, p.Ile1936Thr (NM_001127487.2); short protein forms I1936T, I1969T.
Identifiers: ClinVar variation 2091986 (VCV002091986.4), dbSNP rs2536659239, ClinGen allele CA369209099.

ClinVar aggregate classification (germline): Uncertain significance (1 of 4 stars; one submission).

Conditions:
Hypertrophic cardiomyopathy 26. Also called: Cardiomyopathy, familial hypertrophic, 26. Identifiers: Orphanet 75249, MedGen C4310749, MONDO:0014883, OMIM 617047.
Myofibrillar myopathy 5. Also called: Filaminopathy (type); FILAMINOPATHY, AUTOSOMAL DOMINANT. Identifiers: Orphanet 171445, MedGen C1836050, MONDO:0012289, OMIM 609524.
Distal myopathy with posterior leg and anterior hand involvement. Also called: WILLIAMS DISTAL MYOPATHY. Identifiers: Orphanet 63273, MedGen C3279722, MONDO:0013550, OMIM 614065.

Submission:

Labcorp Genetics (formerly Invitae), Labcorp
Classification: Uncertain significance for Distal myopathy with posterior leg and anterior hand involvement; Myofibrillar myopathy 5; Hypertrophic cardiomyopathy 26. Last evaluated: 2022-04-28. Review status: criteria provided, single submitter. Criteria: Invitae Variant Classification Sherloc (09022015). Collection method: clinical testing. Allele origin: germline.
Comment: In summary, the available evidence is currently insufficient to determine the role of this variant in disease. Therefore, it has been classified as a Variant of Uncertain Significance. Algorithms developed to predict the effect of missense changes on protein structure and function are either unavailable or do not agree on the potential impact of this missense change (SIFT: "Deleterious"; PolyPhen-2: "Probably Damaging"; Align-GVGD: "Class C0"). This variant has not been reported in the literature in individuals affected with FLNC-related conditions. This variant is not present in population databases (gnomAD no frequency). This sequence change replaces isoleucine, which is neutral and non-polar, with threonine, which is neutral and polar, at codon 1969 of the FLNC protein (p.Ile1969Thr).